The following is an entry in ClinVar:

ClinVar aggregate classification (germline): Benign/Likely benign. Review status: criteria provided, multiple submitters, no conflicts (2 of 4 stars). 8 submissions from 7 submitters: Benign (3); Likely benign (3). 2 of the submissions do not count toward it. Last evaluated 2026-01-13.

Conditions:
Inborn genetic diseases. Identifiers: MedGen C0950123, MeSH D030342.
Mosaic variegated aneuploidy syndrome 1 (MVA1). Also called: Warburton-Anyane-Yeboa syndrome. Identifiers: Orphanet 1052, MedGen C1850343, MONDO:0009759, OMIM 257300.
Premature chromatid separation trait (PCS). Also called: TOTAL PREMATURE CHROMATID SEPARATION TRAIT. Identifiers: MedGen C1864389, MONDO:0008304, OMIM 176430.
Colorectal cancer. Also called: Malignant Colorectal Neoplasm; Colorectal cancer, somatic. Identifiers: MedGen C0346629, MONDO:0005575, OMIM 114500.

Allele frequency attached by ClinVar (database versions not stated): gnomAD 0.00047 and 0.00048; gnomAD exomes 0.00055 and 0.00061; TOPMed 0.00056; ExAC 0.00059; ESP Exome Variant Server 0.00100.
gnomAD v4.1: 897 of 1,613,758 alleles (0.056%); highest among the groups gnomAD compares: Middle Eastern, 0.25%; 2 homozygotes.

Submissions (8):

Labcorp Genetics (formerly Invitae), Labcorp
Classification: Benign for Mosaic variegated aneuploidy syndrome 1. Last evaluated: 2026-01-13. Review status: criteria provided, single submitter. Criteria: Invitae Variant Classification Sherloc (09022015). Collection method: clinical testing. Allele origin: germline.

Mayo Clinic Laboratories, Mayo Clinic
Classification: Likely benign. Last evaluated: 2025-11-28. Review status: criteria provided, single submitter. Criteria: ACMG Guidelines, 2015. Collection method: clinical testing. Allele origin: germline. Observed: 2 variant alleles.
Comment: BP4, BP7

KCCC/NGS Laboratory, Kuwait Cancer Control Center
Classification: Benign for Premature chromatid separation trait. Last evaluated: 2025-02-01. Review status: criteria provided, single submitter. Criteria: ACMG Guidelines, 2015. Collection method: clinical testing. Allele origin: germline. Affected: no.

Blueprint Genetics
Classification: Likely benign. Last evaluated: 2024-11-21. Review status: criteria provided, single submitter. Criteria: ACMG Guidelines, 2015. Collection method: clinical testing. Allele origin: germline.

KCCC/NGS Laboratory, Kuwait Cancer Control Center
Classification: Benign for Colorectal cancer. Last evaluated: 2023-07-07. Review status: criteria provided, single submitter. Criteria: ACMG Guidelines, 2015. Collection method: clinical testing. Allele origin: germline. Affected: yes.

Ambry Genetics
Classification: Likely benign for Inborn genetic diseases. Last evaluated: 2022-02-12. Review status: criteria provided, single submitter. Criteria: Ambry Variant Classification Scheme 2023. Collection method: clinical testing. Allele origin: germline.

Clinical Genetics DNA and cytogenetics Diagnostics Lab, Erasmus MC, Erasmus Medical Center
Classification: Likely benign. Review status: no assertion criteria provided. Collection method: clinical testing. Allele origin: germline. Affected: yes. Study: VKGL Data-share Consensus. Not counted in ClinVar's aggregate classification.

Diagnostic Laboratory, Department of Genetics, University Medical Center Groningen
Classification: Likely benign. Review status: no assertion criteria provided. Collection method: clinical testing. Allele origin: germline. Affected: yes. Study: VKGL Data-share Consensus. Not counted in ClinVar's aggregate classification.

NM_001211.6(BUB1B):c.573C>A (p.Ser191=)

Gene: BUB1B (BUB1 mitotic checkpoint serine/threonine kinase B; plus strand). Cytogenetic location: 15q15.1.
Variant type: single nucleotide variant.
Coding change: c.573C>A on transcript NM_001211.6 (MANE Select); coding-DNA position 573, C replaced by A.
Protein change: p.Ser191=; no amino-acid change (serine 191 retained).
Molecular consequence: synonymous variant.
Genome position (GRCh38, 1-based): chr15:40,176,665, C>A. VCF-style: chr15-40176665-C-A. GRCh37 (hg19) VCF-style: chr15-40468866-C-A.
Other names: p.Ser191=.
Identifiers: ClinVar variation 465379 (VCV000465379.23), dbSNP rs138809057, ClinGen allele CA7475505.
Genomic context (GRCh38, chr15:40,176,665, plus strand): 5'-AGATGCGATATTTCAGGAAGGGATTCAACAGAAGGCTGAACCACTAGAAAGACTACAGTC[C>A]CAGCACCGGTAAACTTTCTTTGGAGCTTGTCTTAACTCTAAAAATAATAGAAATAAATTA-3'
Protein context (NP_001202.5, residues 181-201): QKAEPLERLQ[Ser191=]QHRQFQARVS